The following is an entry in ClinVar:

NM_001942.4(DSG1):c.1163G>C (p.Gly388Ala)

Gene: DSG1 (desmoglein 1; plus strand). Cytogenetic location: 18q12.1.
Variant type: single nucleotide variant.
Coding change: c.1163G>C on transcript NM_001942.4 (MANE Select); coding-DNA position 1163, G replaced by C.
Protein change: p.Gly388Ala; replaces glycine 388 with alanine.
Molecular consequence: missense variant.
Genome position (GRCh38, 1-based): chr18:31,336,511, G>C. VCF-style: chr18-31336511-G-C. GRCh37 (hg19) VCF-style: chr18-28916474-G-C.
Other names: short protein forms G388A.
Identifiers: ClinVar variation 1491413 (VCV001491413.8), dbSNP rs376331428, ClinGen allele CA297694954.

ClinVar aggregate classification (germline): Uncertain significance (1 of 4 stars; one submission).

gnomAD v4.1: 6 of 1,613,956 alleles (0.00037%); highest among the groups gnomAD compares: African/African-American, 0.0027%; no homozygotes.

Submission:

Labcorp Genetics (formerly Invitae), Labcorp
Classification: Uncertain significance. Last evaluated: 2025-02-17. Review status: criteria provided, single submitter. Criteria: Invitae Variant Classification Sherloc (09022015). Collection method: clinical testing. Allele origin: germline.
Comment: This sequence change replaces glycine, which is neutral and non-polar, with alanine, which is neutral and non-polar, at codon 388 of the DSG1 protein (p.Gly388Ala). This variant is not present in population databases (gnomAD no frequency). This variant has not been reported in the literature in individuals affected with DSG1-related conditions. ClinVar contains an entry for this variant (Variation ID: 1491413). Invitae Evidence Modeling of protein sequence and biophysical properties (such as structural, functional, and spatial information, amino acid conservation, physicochemical variation, residue mobility, and thermodynamic stability) indicates that this missense variant is not expected to disrupt DSG1 protein function with a negative predictive value of 80%. In summary, the available evidence is currently insufficient to determine the role of this variant in disease. Therefore, it has been classified as a Variant of Uncertain Significance.